The following is an entry in ClinVar:

NM_001127178.3(PIGG):c.2774T>C (p.Leu925Pro)

Gene: PIGG (phosphatidylinositol glycan anchor biosynthesis class G (EMM blood group); plus strand). Cytogenetic location: 4p16.3.
Variant type: single nucleotide variant.
Coding change: c.2774T>C on transcript NM_001127178.3 (MANE Select); coding-DNA position 2774, T replaced by C.
Protein change: p.Leu925Pro; replaces leucine 925 with proline.
Molecular consequence: missense variant. On other transcripts: non-coding transcript variant (10).
Genome position (GRCh38, 1-based): chr4:539,191, T>C. VCF-style: chr4-539191-T-C. GRCh37 (hg19) VCF-style: chr4-532980-T-C.
Other names: c.2507T>C, p.Leu836Pro (NM_001289051.2, NM_001345986.2); c.2375T>C, p.Leu792Pro (NM_001289052.2); c.2483T>C, p.Leu828Pro (NM_001345987.2); c.1745T>C, p.Leu582Pro (NM_001345988.2); c.1241T>C, p.Leu414Pro (NM_001345990.2, NM_001345991.2); c.1676T>C, p.Leu559Pro (NM_001345994.2); c.2750T>C, p.Leu917Pro (NM_017733.5); short protein forms L414P, L559P, L582P, L792P, L828P, L836P, L917P, L925P.
Identifiers: ClinVar variation 3378358 (VCV003378358.1).
Genomic context (GRCh38, chr4:539,191, plus strand): 5'-ACATTTTCTTTCTTATTAACAGTGGTTCAGCACTGAGTCATGCTTGCTTCTGCTACGCAC[T>C]GATTTGTTCTATTCCAGTTTTCACGTACATCGTTTTGGTGACATCTCTGCGTTATCATTT-3'
Protein context (NP_001120650.1, residues 915-935): ALSHACFCYA[Leu925Pro]ICSIPVFTYI

ClinVar aggregate classification (germline): Uncertain significance (1 of 4 stars; one submission).

Submission:

GeneDx
Classification: Uncertain significance. Last evaluated: 2024-05-16. Review status: criteria provided, single submitter. Criteria: GeneDx Variant Classification Process June 2021. Collection method: clinical testing. Allele origin: germline. Affected: yes.
Comment: Not observed at significant frequency in large population cohorts (gnomAD); In silico analysis supports that this missense variant has a deleterious effect on protein structure/function; Has not been previously published as pathogenic or benign to our knowledge